The following is an entry in ClinVar:

ClinVar aggregate classification (germline): Uncertain significance (1 of 4 stars; one submission).

Submission:

Ambry Genetics
Classification: Uncertain significance. Last evaluated: 2024-02-13. Review status: criteria provided, single submitter. Criteria: Ambry Variant Classification Scheme 2023. Collection method: clinical testing. Allele origin: germline.
Comment: The p.R1084P variant (also known as c.3251G>C), located in coding exon 25 of the BUB1 gene, results from a G to C substitution at nucleotide position 3251. The arginine at codon 1084 is replaced by proline, an amino acid with dissimilar properties. This amino acid position is conserved. In addition, this alteration is predicted to be tolerated by in silico analysis. Based on the available evidence, the clinical significance of this alteration remains unclear.

NM_004336.5(BUB1):c.3251G>C (p.Arg1084Pro)

Gene: BUB1 (BUB1 mitotic checkpoint serine/threonine kinase; minus strand). Cytogenetic location: 2q13.
Variant type: single nucleotide variant.
Coding change: c.3251G>C on transcript NM_004336.5 (MANE Select); coding-DNA position 3251, G replaced by C.
Protein change: p.Arg1084Pro; replaces arginine 1084 with proline.
Molecular consequence: missense variant.
Genome position (GRCh38, 1-based): chr2:110,637,971, C>G on the plus strand (G>C on the coding strand, the complement: BUB1 is on the minus strand). VCF-style: chr2-110637971-C-G. GRCh37 (hg19) VCF-style: chr2-111395548-C-G.
Other names: c.3191G>C, p.Arg1064Pro (NM_001278616.2); c.3080G>C, p.Arg1027Pro (NM_001278617.2); short protein forms R1027P, R1064P, R1084P.
Identifiers: ClinVar variation 3224091 (VCV003224091.1), dbSNP rs1305871660, ClinGen allele CA348088218.